The following is an entry in ClinVar:

ClinVar aggregate classification (germline): Uncertain significance (1 of 4 stars; one submission).

Conditions:
DICER1-related tumor predisposition. Also called: DICER1-related pleuropulmonary blastoma cancer predisposition syndrome; DICER1 syndrome. Identifiers: Orphanet 284343, MedGen C3839822, MONDO:0100216.

Submission:

Labcorp Genetics (formerly Invitae), Labcorp
Classification: Uncertain significance for DICER1-related tumor predisposition. Last evaluated: 2021-10-08. Review status: criteria provided, single submitter. Criteria: Invitae Variant Classification Sherloc (09022015). Collection method: clinical testing. Allele origin: germline.
Comment: In summary, the available evidence is currently insufficient to determine the role of this variant in disease. Therefore, it has been classified as a Variant of Uncertain Significance. Algorithms developed to predict the effect of missense changes on protein structure and function (SIFT, PolyPhen-2, Align-GVGD) all suggest that this variant is likely to be tolerated. This variant has not been reported in the literature in individuals affected with DICER1-related conditions. This variant is not present in population databases (ExAC no frequency). This sequence change replaces asparagine with lysine at codon 1181 of the DICER1 protein (p.Asn1181Lys). The asparagine residue is moderately conserved and there is a moderate physicochemical difference between asparagine and lysine.

NM_177438.3(DICER1):c.3543T>A (p.Asn1181Lys)

Gene: DICER1 (dicer 1, ribonuclease III; minus strand). Cytogenetic location: 14q32.13.
Variant type: single nucleotide variant.
Coding change: c.3543T>A on transcript NM_177438.3 (MANE Select); coding-DNA position 3543, T replaced by A.
Protein change: p.Asn1181Lys; replaces asparagine 1181 with lysine.
Molecular consequence: missense variant.
Genome position (GRCh38, 1-based): chr14:95,103,853, A>T on the plus strand (T>A on the coding strand, the complement: DICER1 is on the minus strand). VCF-style: chr14-95103853-A-T. GRCh37 (hg19) VCF-style: chr14-95570190-A-T.
Other names: c.3543T>A, p.Asn1181Lys (NM_001195573.1, NM_001271282.3, NM_001291628.2 and 1 more transcripts); short protein forms N1181K.
Identifiers: ClinVar variation 1441598 (VCV001441598.7), dbSNP rs2139965744, ClinGen allele CA390875003.